The following is an entry in ClinVar:

NM_024642.5(GALNT12):c.1682C>T (p.Pro561Leu)

Gene: GALNT12 (polypeptide N-acetylgalactosaminyltransferase 12; plus strand). Cytogenetic location: 9q22.33.
Variant type: single nucleotide variant.
Coding change: c.1682C>T on transcript NM_024642.5 (MANE Select); coding-DNA position 1682, C replaced by T.
Protein change: p.Pro561Leu; replaces proline 561 with leucine.
Molecular consequence: missense variant.
Genome position (GRCh38, 1-based): chr9:98,849,028, C>T. VCF-style: chr9-98849028-C-T. GRCh37 (hg19) VCF-style: chr9-101611310-C-T.
Other names: c.1682C>T (NM_024642.4); short protein forms P561L.
Identifiers: ClinVar variation 2723110 (VCV002723110.4), dbSNP rs917145424, ClinGen allele CA196834014.

ClinVar aggregate classification (germline): Uncertain significance. Review status: criteria provided, multiple submitters, no conflicts (2 of 4 stars). 2 submissions from 2 submitters: Uncertain significance (2). Last evaluated 2024-03-28.

Allele frequency attached by ClinVar (database versions not stated): TOPMed below 0.00001; gnomAD 0.00001.
gnomAD v4.1: 1 of 1,613,986 alleles (0.000062%); highest among the groups gnomAD compares: Non-Finnish European, 0.000085%; no homozygotes.

Submissions (2):

Ambry Genetics
Classification: Uncertain significance. Last evaluated: 2024-03-28. Review status: criteria provided, single submitter. Criteria: Ambry Variant Classification Scheme 2023. Collection method: clinical testing. Allele origin: germline.
Comment: The p.P561L variant (also known as c.1682C>T), located in coding exon 10 of the GALNT12 gene, results from a C to T substitution at nucleotide position 1682. The proline at codon 561 is replaced by leucine, an amino acid with similar properties. This amino acid position is conserved. In addition, this alteration is predicted to be tolerated by in silico analysis. Based on the available evidence, the clinical significance of this alteration remains unclear.

Labcorp Genetics (formerly Invitae), Labcorp
Classification: Uncertain significance. Last evaluated: 2024-01-29. Review status: criteria provided, single submitter. Criteria: Invitae Variant Classification Sherloc (09022015). Collection method: clinical testing. Allele origin: germline.
Comment: This sequence change replaces proline, which is neutral and non-polar, with leucine, which is neutral and non-polar, at codon 561 of the GALNT12 protein (p.Pro561Leu). This variant is not present in population databases (gnomAD no frequency). This variant has not been reported in the literature in individuals affected with GALNT12-related conditions. Advanced modeling of protein sequence and biophysical properties (such as structural, functional, and spatial information, amino acid conservation, physicochemical variation, residue mobility, and thermodynamic stability) performed at Invitae indicates that this missense variant is not expected to disrupt GALNT12 protein function with a negative predictive value of 80%. In summary, the available evidence is currently insufficient to determine the role of this variant in disease. Therefore, it has been classified as a Variant of Uncertain Significance.